The following is an entry in ClinVar:

PALB2:c.2515-1G>T

Gene: PALB2 (partner and localizer of BRCA2; minus strand). Cytogenetic location: 16p12.2.
Variant type: single nucleotide variant.
Molecular consequence: splice acceptor variant (on NM_024675.4). On other transcripts: intron variant (1).
Genome position: GRCh38 VCF-style: chr16-23629276-C-A. GRCh37 (hg19) VCF-style: chr16-23640597-C-A.
Other names: IVS5, G-T, -1; c.1630-1G>T (NM_001407308.1, NM_001407306.1, NM_001407307.1 and 5 more transcripts); c.49-1G>T (NM_001407314.1); c.727-1G>T (NM_001407313.1, NM_001407312.1); c.2455-1G>T (NM_001407296.1); c.2514+364G>T (NM_001407297.1); c.2515-1G>T (NM_001407302.1, NM_001407298.1, NM_001407300.1 and 3 more transcripts).
Identifiers: ClinVar variation 126657 (VCV000126657.19), dbSNP rs587776417, ClinGen allele CA114879.

ClinVar aggregate classification (germline): Pathogenic/Likely pathogenic. Review status: criteria provided, multiple submitters, no conflicts (2 of 4 stars). 7 submissions from 7 submitters: Pathogenic (1); Likely pathogenic (2). 4 of the submissions do not count toward it. Last evaluated 2025-03-31.

Conditions:
Familial cancer of breast. Also called: BREAST CANCER, FAMILIAL; hereditary breast carcinoma; Hereditary breast cancer. Identifiers: Orphanet 227535, MedGen C0346153, MONDO:0016419, OMIM 114480. Disease mechanism: loss of function.
Hereditary cancer-predisposing syndrome. Also called: Hereditary Cancer Syndrome; Hereditary neoplastic syndrome; Tumor predisposition; Neoplastic Syndromes, Hereditary. Identifiers: Orphanet 140162, MedGen C0027672, MeSH D009386, MONDO:0015356.
Pancreatic cancer, susceptibility to, 3. Identifiers: Orphanet 1333, MedGen C3150547, MONDO:0013236, OMIM 613348.

Submissions (7):

Ambry Genetics
Classification: Likely pathogenic for Hereditary cancer-predisposing syndrome. Last evaluated: 2025-03-31. Review status: criteria provided, single submitter. Criteria: Ambry Variant Classification Scheme 2023. Collection method: clinical testing. Allele origin: germline.
Comment: The c.2515-1G>T intronic variant results from a G to T substitution one nucleotide upstream from coding exon 6 of the PALB2 gene. This alteration has been detected in patients with familial pancreatic cancer and familial breast cancer (Jones S et al. Science. 2009 Apr;324:217; Casadei S et al. Cancer Res. 2011 Mar;71:2222-9; Antoniou AC et al. N. Engl. J. Med. 2014 Aug;371:497-506). This nucleotide position is highly conserved in available vertebrate species. In silico splice site analysis predicts that this alteration will weaken the native splice acceptor site. RNA studies have demonstrated that this alteration results in abnormal splicing in the set of samples tested (Ambry internal data). Alterations that disrupt the canonical splice site are expected to cause aberrant splicing, resulting in an abnormal protein or a transcript that is subject to nonsense-mediated mRNA decay. As such, this alteration is classified as likely pathogenic.

Labcorp Genetics (formerly Invitae), Labcorp
Classification: Likely pathogenic for Familial cancer of breast. Last evaluated: 2023-08-10. Review status: criteria provided, single submitter. Criteria: Invitae Variant Classification Sherloc (09022015). Collection method: clinical testing. Allele origin: germline.
Comment: This sequence change affects an acceptor splice site in intron 5 of the PALB2 gene. RNA analysis indicates that disruption of this splice site induces altered splicing and likely results in a shortened protein product. This variant is not present in population databases (gnomAD no frequency). Disruption of this splice site has been observed in individual(s) with breast cancer and/or pancreatic cancer (PMID: 19264984, 21285249). ClinVar contains an entry for this variant (Variation ID: 126657). Algorithms developed to predict the effect of variants on protein structure and function are not available or were not evaluated for this variant. Experimental studies have shown that disruption of this splice site affects PALB2 function (PMID: 30890586). Studies have shown that disruption of this splice site results in skipping of 6, but is expected to preserve the integrity of the reading-frame (PMID: 21285249, 26990772, 30890586; Invitae). In summary, the currently available evidence indicates that the variant is pathogenic, but additional data are needed to prove that conclusively. Therefore, this variant has been classified as Likely Pathogenic.

Baylor Genetics
Classification: Pathogenic for Familial cancer of breast. Last evaluated: 2022-10-26. Review status: criteria provided, single submitter. Criteria: ACMG Guidelines, 2015. Collection method: clinical testing. Allele origin: unknown.

King Laboratory, University of Washington
Classification: Pathogenic for Familial cancer of breast; Hereditary cancer-predisposing syndrome. Last evaluated: 2019-09-01. Review status: no assertion criteria provided. Collection method: research. Allele origin: germline. Affected: yes. Not counted in ClinVar's aggregate classification.
Comment: Transcript analysis by cBROCA

Leiden Open Variation Database
Classification: Likely pathogenic for Familial cancer of breast. Last evaluated: 2019-05-13. Review status: no assertion criteria provided. Collection method: curation. Allele origin: germline. Affected: yes. Not counted in ClinVar's aggregate classification.
Comment: Curators: Marc Tischkowitz, Arleen D. Auerbach. Submitter to LOVD: Marc Tischkowitz.

OMIM
Classification: risk factor for PANCREATIC CANCER, SUSCEPTIBILITY TO, 3. Last evaluated: 2009-04-10. Review status: no assertion criteria provided. Collection method: literature only. Allele origin: germline. Not counted in ClinVar's aggregate classification.

SNPedia
Classification: Pathogenic. Review status: no assertion criteria provided. Collection method: not provided. Allele origin: germline. Not counted in ClinVar's aggregate classification.
ClinVar note: Converted during submission from pathogenic to Pathogenic.

Literature cited by the submitters: PubMed 19264984 (cited by 3 submitters); PubMed 21285249 (cited by 3 submitters); PubMed 25099575 (cited by Ambry Genetics and Leiden Open Variation Database); PubMed 30890586 (cited by Labcorp Genetics (formerly Invitae), Labcorp); PubMed 26990772 (cited by Labcorp Genetics (formerly Invitae), Labcorp); PubMed 31843900 (cited by King Laboratory, University of Washington).